The following is an entry in ClinVar:

ClinVar aggregate classification (germline): Uncertain significance (1 of 4 stars; one submission).

Allele frequency attached by ClinVar (database versions not stated): gnomAD exomes below 0.00001.
gnomAD v4.1: 3 of 1,612,684 alleles (0.00019%); highest among the groups gnomAD compares: South Asian, 0.0022%; no homozygotes.

Submission:

Labcorp Genetics (formerly Invitae), Labcorp
Classification: Uncertain significance. Last evaluated: 2023-10-29. Review status: criteria provided, single submitter. Criteria: Invitae Variant Classification Sherloc (09022015). Collection method: clinical testing. Allele origin: germline.
Comment: This sequence change replaces proline, which is neutral and non-polar, with threonine, which is neutral and polar, at codon 40 of the PPP2R5D protein (p.Pro40Thr). This variant is present in population databases (no rsID available, gnomAD 0.003%). This variant has not been reported in the literature in individuals affected with PPP2R5D-related conditions. An algorithm developed to predict the effect of missense changes on protein structure and function (PolyPhen-2) suggests that this variant is likely to be tolerated. In summary, the available evidence is currently insufficient to determine the role of this variant in disease. Therefore, it has been classified as a Variant of Uncertain Significance.

NM_006245.4(PPP2R5D):c.118C>A (p.Pro40Thr)

Gene: PPP2R5D (protein phosphatase 2 regulatory subunit B'delta; plus strand). Cytogenetic location: 6p21.1.
Variant type: single nucleotide variant.
Coding change: c.118C>A on transcript NM_006245.4 (MANE Select); coding-DNA position 118, C replaced by A.
Protein change: p.Pro40Thr; replaces proline 40 with threonine.
Molecular consequence: missense variant. On other transcripts: 5 prime UTR variant (1), intron variant (1).
Genome position (GRCh38, 1-based): chr6:43,006,475, C>A. VCF-style: chr6-43006475-C-A. GRCh37 (hg19) VCF-style: chr6-42974213-C-A.
Other names: c.-336C>A (NM_001270476.2); c.118C>A, p.Pro40Thr (NM_180976.3); c.28-459C>A (NM_180977.3); short protein forms P40T.
Identifiers: ClinVar variation 2772747 (VCV002772747.3), dbSNP rs1286366363, ClinGen allele CA364178430.